The following is an entry in ClinVar:

ClinVar aggregate classification (germline): Likely benign (1 of 4 stars; one submission).

gnomAD v4.1: 37 of 1,612,858 alleles (0.0023%); highest among the groups gnomAD compares: African/African-American, 0.015%; 1 homozygote.

Submission:

CeGaT Center for Human Genetics Tuebingen
Classification: Likely benign. Last evaluated: 2025-01-01. Review status: criteria provided, single submitter. Criteria: CeGaT Center For Human Genetics Tuebingen Variant Classification Criteria Version 2. Collection method: clinical testing. Allele origin: germline. Affected: yes. Observed: 1 variant allele.
Comment: MLST8: BP4, BP7

NM_022372.6(MLST8):c.810C>T (p.Arg270=)

Gene: MLST8 (MTOR associated protein MLST8; plus strand). Cytogenetic location: 16p13.3.
Variant type: single nucleotide variant.
Coding change: c.810C>T on transcript NM_022372.6 (MANE Select); coding-DNA position 810, C replaced by T.
Protein change: p.Arg270=; no amino-acid change (arginine 270 retained).
Molecular consequence: synonymous variant. On other transcripts: non-coding transcript variant (4).
Genome position (GRCh38, 1-based): chr16:2,208,561, C>T. VCF-style: chr16-2208561-C-T. GRCh37 (hg19) VCF-style: chr16-2258562-C-T.
Other names: c.810C>T, p.Arg270= (NM_001199173.3, NM_001199174.3); c.807C>T, p.Arg269= (NM_001199175.3); c.828C>T, p.Arg276= (NM_001352057.2); c.612C>T, p.Arg204= (NM_001352059.2, NM_001352060.2).
Identifiers: ClinVar variation 3771019 (VCV003771019.13).
Genomic context (GRCh38, chr16:2,208,561, plus strand): 5'-CAACTTCTCCCTGATGACGGAGCTGAGCATCAAGAGCGGCAACCCCGGGGAGTCCTCCCG[C>T]GGCTGGATGTGGGGCTGCGCCTTCTCGGGGGACTCCCAGTACATCGTCACTGGTGAGCCC-3'
Protein context (NP_071767.3, residues 260-280): IKSGNPGESS[Arg270=]GWMWGCAFSG